The following is an entry in ClinVar:

ClinVar aggregate classification (germline): Uncertain significance (1 of 4 stars; one submission).

Submission:

GeneDx
Classification: Uncertain significance. Last evaluated: 2025-03-13. Review status: criteria provided, single submitter. Criteria: GeneDx Variant Classification Process June 2021. Collection method: clinical testing. Allele origin: germline. Affected: yes.
Comment: Not observed at significant frequency in large population cohorts (gnomAD); In silico analysis supports that this missense variant has a deleterious effect on protein structure/function; Has not been previously published as pathogenic or benign to our knowledge

NM_020794.2:c.581A>C

Gene: LRRC7 (leucine rich repeat containing 7; plus strand).
Variant type: single nucleotide variant.
Identifiers: ClinVar variation 4082822 (VCV004082822.1).